The following is an entry in ClinVar:

ClinVar aggregate classification (germline): Uncertain significance (1 of 4 stars; one submission).

gnomAD v4.1: 2 of 1,614,186 alleles (0.00012%); highest among the groups gnomAD compares: Non-Finnish European, 0.000085%; no homozygotes.

Submission:

Labcorp Genetics (formerly Invitae), Labcorp
Classification: Uncertain significance. Last evaluated: 2024-06-05. Review status: criteria provided, single submitter. Criteria: Invitae Variant Classification Sherloc (09022015). Collection method: clinical testing. Allele origin: germline.
Comment: This sequence change replaces aspartic acid, which is acidic and polar, with tyrosine, which is neutral and polar, at codon 232 of the TEAD1 protein (p.Asp232Tyr). This variant is present in population databases (rs138555051, gnomAD 0.007%). This variant has not been reported in the literature in individuals affected with TEAD1-related conditions. Advanced modeling of protein sequence and biophysical properties (such as structural, functional, and spatial information, amino acid conservation, physicochemical variation, residue mobility, and thermodynamic stability) performed at Invitae indicates that this missense variant is not expected to disrupt TEAD1 protein function with a negative predictive value of 80%. In summary, the available evidence is currently insufficient to determine the role of this variant in disease. Therefore, it has been classified as a Variant of Uncertain Significance.

NM_021961.6(TEAD1):c.694G>T (p.Asp232Tyr)

Gene: TEAD1 (TEA domain transcription factor 1; plus strand). Cytogenetic location: 11p15.3.
Variant type: single nucleotide variant.
Coding change: c.694G>T on transcript NM_021961.6 (MANE Select); coding-DNA position 694, G replaced by T.
Protein change: p.Asp232Tyr; replaces aspartic acid 232 with tyrosine.
Molecular consequence: missense variant.
Genome position (GRCh38, 1-based): chr11:12,883,120, G>T. VCF-style: chr11-12883120-G-T. GRCh37 (hg19) VCF-style: chr11-12904667-G-T.
Other names: short protein forms D232Y.
Identifiers: ClinVar variation 3620797 (VCV003620797.2).